The following is an entry in ClinVar:

NM_024747.6(HPS6):c.617C>T (p.Ala206Val)

Gene: HPS6 (HPS6 biogenesis of lysosomal organelles complex 2 subunit 3; plus strand). Cytogenetic location: 10q24.32.
Variant type: single nucleotide variant.
Coding change: c.617C>T on transcript NM_024747.6 (MANE Select); coding-DNA position 617, C replaced by T.
Protein change: p.Ala206Val; replaces alanine 206 with valine.
Molecular consequence: missense variant.
Genome position (GRCh38, 1-based): chr10:102,066,091, C>T. VCF-style: chr10-102066091-C-T. GRCh37 (hg19) VCF-style: chr10-103825848-C-T.
Other names: short protein forms A206V.
Identifiers: ClinVar variation 1909657 (VCV001909657.3), dbSNP rs1347581677, ClinGen allele CA377858148.
Genomic context (GRCh38, chr10:102,066,091, plus strand): 5'-ACCACTGCCCTGCCTTCGGGCTGCTGGCCTCCTGCAGACAACTCTTCCTGGTGCCCACTG[C>T]CACCACCTGGCCTGGCGTGGCCCACGTTCTACTCATCTGGAGCCCAGGCAAGGGCAAAGT-3'
Protein context (NP_079023.2, residues 196-216): SCRQLFLVPT[Ala206Val]TTWPGVAHVL

ClinVar aggregate classification (germline): Uncertain significance (1 of 4 stars; one submission).

Allele frequency attached by ClinVar (database versions not stated): gnomAD 0.00002; gnomAD exomes 0.00002; TOPMed 0.00002.

Submission:

Labcorp Genetics (formerly Invitae), Labcorp
Classification: Uncertain significance. Last evaluated: 2025-12-01. Review status: criteria provided, single submitter. Criteria: Invitae Variant Classification Sherloc (09022015). Collection method: clinical testing. Allele origin: germline.
Comment: This sequence change replaces alanine, which is neutral and non-polar, with valine, which is neutral and non-polar, at codon 206 of the HPS6 protein (p.Ala206Val). This variant is not present in population databases (gnomAD no frequency). This variant has not been reported in the literature in individuals affected with HPS6-related conditions. ClinVar contains an entry for this variant (Variation ID: 1909657). Invitae Evidence Modeling of protein sequence and biophysical properties (such as structural, functional, and spatial information, amino acid conservation, physicochemical variation, residue mobility, and thermodynamic stability) indicates that this missense variant is not expected to disrupt HPS6 protein function with a negative predictive value of 80%. In summary, the available evidence is currently insufficient to determine the role of this variant in disease. Therefore, it has been classified as a Variant of Uncertain Significance.